The following is an entry in ClinVar:

NM_000057.4(BLM):c.1198C>G (p.Leu400Val)

Gene: BLM (BLM RecQ like helicase; plus strand). Cytogenetic location: 15q26.1.
Variant type: single nucleotide variant.
Coding change: c.1198C>G on transcript NM_000057.4 (MANE Select); coding-DNA position 1198, C replaced by G.
Protein change: p.Leu400Val; replaces leucine 400 with valine.
Molecular consequence: missense variant.
Genome position (GRCh38, 1-based): chr15:90,760,257, C>G. VCF-style: chr15-90760257-C-G. GRCh37 (hg19) VCF-style: chr15-91303487-C-G.
Other names: c.1198C>G, p.Leu400Val (NM_001287246.2, NM_001287247.2); c.73C>G, p.Leu25Val (NM_001287248.2); short protein forms L25V, L400V.
Identifiers: ClinVar variation 1746511 (VCV001746511.7), dbSNP rs2505422449, ClinGen allele CA393842533.

ClinVar aggregate classification (germline): Uncertain significance. Review status: criteria provided, multiple submitters, no conflicts (2 of 4 stars). 2 submissions from 2 submitters: Uncertain significance (2). Last evaluated 2025-08-18.

Conditions:
Hereditary cancer-predisposing syndrome. Also called: Hereditary Cancer Syndrome; Neoplastic Syndromes, Hereditary; Tumor predisposition; Hereditary neoplastic syndrome. Identifiers: Orphanet 140162, MedGen C0027672, MeSH D009386, MONDO:0015356.
Bloom syndrome (BLM). Also called: Bloom-Torre-Machacek syndrome. Identifiers: Orphanet 125, MedGen C0005859, MONDO:0008876, OMIM 210900.

Allele frequency attached by ClinVar (database versions not stated): gnomAD exomes below 0.00001.
gnomAD v4.1: 1 of 1,614,116 alleles (0.000062%); highest among the groups gnomAD compares: Non-Finnish European, 0.000085%; no homozygotes.

Submissions (2):

Labcorp Genetics (formerly Invitae), Labcorp
Classification: Uncertain significance for Bloom syndrome. Last evaluated: 2025-08-18. Review status: criteria provided, single submitter. Criteria: Invitae Variant Classification Sherloc (09022015). Collection method: clinical testing. Allele origin: germline.
Comment: This sequence change replaces leucine, which is neutral and non-polar, with valine, which is neutral and non-polar, at codon 400 of the BLM protein (p.Leu400Val). This variant is not present in population databases (gnomAD no frequency). This variant has not been reported in the literature in individuals affected with BLM-related conditions. ClinVar contains an entry for this variant (Variation ID: 1746511). Invitae Evidence Modeling of protein sequence and biophysical properties (such as structural, functional, and spatial information, amino acid conservation, physicochemical variation, residue mobility, and thermodynamic stability) has been performed for this missense variant. However, the output from this modeling did not meet the statistical confidence thresholds required to predict the impact of this variant on BLM protein function. In summary, the available evidence is currently insufficient to determine the role of this variant in disease. Therefore, it has been classified as a Variant of Uncertain Significance.

Ambry Genetics
Classification: Uncertain significance for Hereditary cancer-predisposing syndrome. Last evaluated: 2022-10-21. Review status: criteria provided, single submitter. Criteria: Ambry Variant Classification Scheme 2023. Collection method: clinical testing. Allele origin: germline.
Comment: The p.L400V variant (also known as c.1198C>G), located in coding exon 5 of the BLM gene, results from a C to G substitution at nucleotide position 1198. The leucine at codon 400 is replaced by valine, an amino acid with highly similar properties. This amino acid position is conserved. In addition, the in silico prediction for this alteration is inconclusive. Since supporting evidence is limited at this time, the clinical significance of this alteration remains unclear.